The following is an entry in ClinVar:

NM_130837.3(OPA1):c.869G>A (p.Arg290Gln)

Gene: OPA1 (OPA1 mitochondrial dynamin like GTPase; plus strand). Cytogenetic location: 3q29.
Variant type: single nucleotide variant.
Coding change: c.869G>A on transcript NM_130837.3 (MANE Select); coding-DNA position 869, G replaced by A.
Protein change: p.Arg290Gln; replaces arginine 290 with glutamine.
Molecular consequence: missense variant.
Genome position (GRCh38, 1-based): chr3:193,635,443, G>A. VCF-style: chr3-193635443-G-A. GRCh37 (hg19) VCF-style: chr3-193353232-G-A.
Other names: c.704G>A (NM_015560.2); c.335G>A, p.Arg112Gln (NM_001354663.2); c.332G>A, p.Arg111Gln (NM_001354664.2); c.704G>A, p.Arg235Gln (NM_015560.3); c.596G>A, p.Arg199Gln (NM_130831.3); c.650G>A, p.Arg217Gln (NM_130832.3); c.707G>A, p.Arg236Gln (NM_130833.3); c.869G>A (NM_130837.2); and 3 more; short protein forms R112Q, R254Q, R235Q, R272Q, R111Q, R217Q, R236Q, R290Q.
Identifiers: ClinVar variation 1042539 (VCV001042539.8), dbSNP rs765118029, ClinGen allele CA2759202.
Genomic context (GRCh38, chr3:193,635,443, plus strand): 5'-TTGCTTATATAGTTACACTTATTATTTTATTGCAGTTGAAGTATCAGAGAATCTTGGAAC[G>A]ATTAGAAAAGGAGAACAAAGAATTGAGAAAATTAGTATTGCAGAAAGATGACAAAGGCAT-3'
Protein context (NP_570850.2, residues 280-300): TQLKYQRILE[Arg290Gln]LEKENKELRK

ClinVar aggregate classification (germline): Conflicting classifications of pathogenicity. Review status: criteria provided, conflicting classifications (1 of 4 stars). 4 submissions from 4 submitters: Uncertain significance (2); Benign (1). 1 of the submissions does not count toward it. Last evaluated 2025-03-06.

Conditions:
Retinal dystrophy. Also called: Inherited retinal dystrophy. Identifiers: Orphanet 71862, MedGen C0854723, MeSH D058499, MONDO:0019118, HP:0000556.
OPA1-related disorder. Also called: OPA1-related disorders; OPA1-related condition.

Allele frequency attached by ClinVar (database versions not stated): gnomAD exomes 0.00002; ExAC 0.00003; gnomAD 0.00005 and 0.00006; TOPMed 0.00005.
gnomAD v4.1: 13 of 1,604,510 alleles (0.00081%); highest among the groups gnomAD compares: African/African-American, 0.008%; no homozygotes.

Submissions (4):

Athena Diagnostics
Classification: Uncertain significance. Last evaluated: 2025-03-06. Review status: criteria provided, single submitter. Criteria: Athena Diagnostics Criteria. Collection method: clinical testing. Allele origin: unknown.
Comment: Available data are insufficient to determine the clinical significance of the variant at this time. The frequency of this variant in the general population is higher than would generally be expected for pathogenic variants in this gene. Polyphen and MutationTaster yielded discordant predictions regarding whether this amino acid change is damaging to the protein.

Labcorp Genetics (formerly Invitae), Labcorp
Classification: Benign. Last evaluated: 2024-12-03. Review status: criteria provided, single submitter. Criteria: Invitae Variant Classification Sherloc (09022015). Collection method: clinical testing. Allele origin: germline.

PreventionGenetics, part of Exact Sciences
Classification: Uncertain significance for OPA1-related condition. Last evaluated: 2024-11-25. Review status: criteria provided, single submitter. Criteria: ACMG Guidelines, 2015. Collection method: clinical testing. Allele origin: germline.
Comment: The OPA1 c.869G>A variant is predicted to result in the amino acid substitution p.Arg290Gln. This variant was reported in individuals with optic atrophy or retinal disease (supplementary data, Le Roux et al. 2019. PubMed ID: 31500643; supplementary data, Karali et al. 2022. PubMed ID: 36460718). This variant is reported in 0.012% of alleles in individuals of African descent in gnomAD. At this time, the clinical significance of this variant is uncertain due to the absence of conclusive functional and genetic evidence.

Institute of Human Genetics, Univ. Regensburg, Univ. Regensburg
Classification: Pathogenic for Retinal dystrophy. Last evaluated: 2020-01-01. Review status: no assertion criteria provided. Criteria: ACMG Guidelines, 2015. Collection method: clinical testing. Allele origin: germline. Affected: yes. Not counted in ClinVar's aggregate classification.

Literature cited by the submitters: PubMed 31500643 (cited by Athena Diagnostics); PubMed 36460718 (cited by Athena Diagnostics).